The following is an entry in ClinVar:

ClinVar aggregate classification (germline): Pathogenic. Review status: criteria provided, multiple submitters, no conflicts (2 of 4 stars). 8 submissions from 8 submitters: Pathogenic (6). 2 of the submissions do not count toward it. Last evaluated 2024-07-11.

Conditions:
Intellectual disability-microcephaly-strabismus-behavioral abnormalities syndrome. Also called: White-Sutton Syndrome. Identifiers: Orphanet 468678, MedGen C4225351, MONDO:0014606, OMIM 616364.
Inborn genetic diseases. Identifiers: MedGen C0950123, MeSH D030342.

Submissions (8):

Dasa
Classification: Pathogenic. Last evaluated: 2024-07-11. Review status: criteria provided, single submitter. Criteria: DASA Assertion Criteria. Collection method: clinical testing. Allele origin: germline.
Comment: NM_015100.4(POGZ):c.2935C>T (p.Arg979*) introduces a premature termination codon predicted to result in loss of normal protein function. Loss-of-function is an established mechanism of disease for this gene. Based on the available data, this variant is classified as pathogenic.

GeneDx
Classification: Pathogenic. Last evaluated: 2023-08-14. Review status: criteria provided, single submitter. Criteria: GeneDx Variant Classification Process June 2021. Collection method: clinical testing. Allele origin: germline. Affected: yes.
Comment: Nonsense variant in the C-terminus predicted to result in protein truncation, as the last 432 amino acids are lost, and other loss-of-function variants have been reported downstream in the Human Gene Mutation Database (HGMD); Not observed at significant frequency in large population cohorts (gnomAD); This variant is associated with the following publications: (PMID: 26739615, 37016333, 25533962)

Genome-Nilou Lab
Classification: Pathogenic for Intellectual disability-microcephaly-strabismus-behavioral abnormalities syndrome. Last evaluated: 2023-04-11. Review status: criteria provided, single submitter. Criteria: ACMG Guidelines, 2015. Collection method: clinical testing. Allele origin: germline. Affected: no.

Fulgent Genetics
Classification: Pathogenic for Intellectual disability-microcephaly-strabismus-behavioral abnormalities syndrome. Last evaluated: 2021-10-14. Review status: criteria provided, single submitter. Criteria: ACMG Guidelines, 2015. Collection method: clinical testing. Allele origin: unknown.

Illumina Laboratory Services, Illumina
Classification: Pathogenic for Intellectual disability-microcephaly-strabismus-behavioral abnormalities syndrome. Last evaluated: 2019-05-06. Review status: criteria provided, single submitter. Criteria: ICSLVariantClassificationCriteria RUGD 01 April 2020. Collection method: clinical testing. Allele origin: unknown.
Comment: The POGZ c.2935C>T (p.Arg979Ter) variant is a stop-gained variant that is predicted to result in a premature termination of the protein. The p.Arg979Ter variant has been reported in one study in which it is found in one individual in a heterozygous state (White et al. 2016). The individual's phenotype included global developmental delay, short stature, microcephaly, hypotonia, brachycephaly, high arched palate, sensorineural hearing loss, exotropia, optic nerve hypoplasia, and rod-cone retinal dystrophy. The p.Arg979Ter variant is not found in the Genome Aggregation Database in a region of good sequence coverage, so the variant is presumed to be rare. Based on the potential impact of truncating variants, absence from population frequency databases, and identification in a de novo state, the p.Arg979Ter variant is classified as pathogenic for White-Sutton syndrome.

Ambry Genetics
Classification: Pathogenic for Inborn genetic diseases. Last evaluated: 2014-12-01. Review status: criteria provided, single submitter. Criteria: Ambry exome assertion method (8-5-2015). Collection method: clinical testing. Allele origin: germline. Affected: yes. Observed: 1 variant allele.

OMIM
Classification: Pathogenic for WHITE-SUTTON SYNDROME. Last evaluated: 2016-01-06. Review status: no assertion criteria provided. Collection method: literature only. Allele origin: germline. Not counted in ClinVar's aggregate classification.

Lupski Lab, Baylor-Hopkins CMG, Baylor College of Medicine
Classification: Pathogenic for Intellectual disability-microcephaly-strabismus-behavioral abnormalities syndrome. Last evaluated: 2015-11-10. Review status: no assertion criteria provided. Collection method: clinical testing. Allele origin: de novo. Inheritance: Autosomal dominant inheritance. Affected: yes. Not counted in ClinVar's aggregate classification.

Literature cited by the submitters: PubMed 26739615 (cited by 3 submitters); PubMed 25533962 (cited by Lupski Lab, Baylor-Hopkins CMG, Baylor College of Medicine).

NM_015100.4(POGZ):c.2935C>T (p.Arg979Ter)

Gene: POGZ (pogo transposable element derived with ZNF domain; minus strand). Cytogenetic location: 1q21.3.
Variant type: single nucleotide variant.
Coding change: c.2935C>T on transcript NM_015100.4 (MANE Select); coding-DNA position 2935, C replaced by T.
Protein change: p.Arg979Ter; replaces arginine 979 with a stop codon.
Molecular consequence: nonsense.
Genome position (GRCh38, 1-based): chr1:151,406,100, G>A on the plus strand (C>T on the coding strand, the complement: POGZ is on the minus strand). VCF-style: chr1-151406100-G-A. GRCh37 (hg19) VCF-style: chr1-151378576-G-A.
Other names: c.2908C>T, p.Arg970Ter (NM_001194937.2); c.2749C>T, p.Arg917Ter (NM_001194938.2); c.2650C>T, p.Arg884Ter (NM_145796.4); c.2776C>T, p.Arg926Ter (NM_207171.2); short protein forms R979*, R884*, R926*, R917*, R970*.
Identifiers: ClinVar variation 218149 (VCV000218149.13), dbSNP rs864321674, ClinGen allele CA347938.